The following is an entry in ClinVar:

NM_000112.4(SLC26A2):c.1840AAG[1] (p.Lys615del)

Gene: SLC26A2 (solute carrier family 26 member 2; plus strand). Cytogenetic location: 5q32.
Variant type: Microsatellite.
Coding change: c.1840AAG[1] on transcript NM_000112.4 (MANE Select); one copy of the 3-base unit AAG starting at c.1840; the reference has two copies in a row; one copy, 3 bases deleted.
Protein change: p.Lys615del; deletes lysine 615.
Molecular consequence: inframe deletion.
Genome position (GRCh38, 1-based): chr5:149,981,436-149,981,438, AAG deleted; deleting any 3 consecutive bases within chr5:149,981,432-149,981,438 gives the same sequence; the position shown is the placement nearest the transcript's 3' end. VCF-style (leftmost placement, unchanged base first): chr5-149981431-GGAA-G. GRCh37 (hg19) VCF-style: chr5-149360994-GGAA-G.
Other names: short protein forms K615del.
Identifiers: ClinVar variation 2187310 (VCV002187310.3), dbSNP rs768995164, ClinGen allele CA3505503.

ClinVar aggregate classification (germline): Uncertain significance (1 of 4 stars; one submission).

Conditions:
Multiple epiphyseal dysplasia type 4 (EDM4). Also called: Multiple Epiphyseal Dysplasia, Recessive; MULTIPLE EPIPHYSEAL DYSPLASIA WITH BILAYERED PATELLAE; MULTIPLE EPIPHYSEAL DYSPLASIA WITH CLUBFOOT; MULTIPLE EPIPHYSEAL DYSPLASIA, AUTOSOMAL RECESSIVE; SLC26A2-Related Multiple Epiphyseal Dysplasia. Identifiers: Orphanet 93307, MedGen C1847593, MONDO:0009189, OMIM 226900.
Achondrogenesis, type IB (ACG1B). Also called: Achondrogenesis Type 1B. Identifiers: Orphanet 932, Orphanet 93298, MedGen C0265274, MONDO:0010966, OMIM 600972.
Atelosteogenesis type II (AO2). Also called: NEONATAL OSSEOUS DYSPLASIA I; Neonatal osseous dysplasia 1; SLC26A2-Related Atelosteogenesis. Identifiers: Orphanet 56304, MedGen C1850554, MONDO:0009727, OMIM 256050.
Diastrophic dysplasia (DTD). Also called: Diastrophic dwarfism. Identifiers: Orphanet 628, MedGen C0220726, MONDO:0009107, OMIM 222600.

Submission:

Labcorp Genetics (formerly Invitae), Labcorp
Classification: Uncertain significance for Atelosteogenesis type II; Multiple epiphyseal dysplasia type 4; Achondrogenesis, type IB; Diastrophic dysplasia. Last evaluated: 2024-02-24. Review status: criteria provided, single submitter. Criteria: Invitae Variant Classification Sherloc (09022015). Collection method: clinical testing. Allele origin: germline.
Comment: This variant, c.1843_1845del, results in the deletion of 1 amino acid(s) of the SLC26A2 protein (p.Lys615del), but otherwise preserves the integrity of the reading frame. This variant is present in population databases (rs768995164, gnomAD 0.003%). This variant has not been reported in the literature in individuals affected with SLC26A2-related conditions. Experimental studies and prediction algorithms are not available or were not evaluated, and the functional significance of this variant is currently unknown. In summary, the available evidence is currently insufficient to determine the role of this variant in disease. Therefore, it has been classified as a Variant of Uncertain Significance.